The following is an entry in ClinVar:

NM_152419.3(HGSNAT):c.283A>T (p.Lys95Ter)

Gene: HGSNAT (heparan-alpha-glucosaminide N-acetyltransferase; plus strand). Cytogenetic location: 8p11.21.
Variant type: single nucleotide variant.
Coding change: c.283A>T on transcript NM_152419.3 (MANE Select); coding-DNA position 283, A replaced by T.
Protein change: p.Lys95Ter; replaces lysine 95 with a stop codon.
Molecular consequence: nonsense. On other transcripts: 5 prime UTR variant (1).
Genome position (GRCh38, 1-based): chr8:43,158,623, A>T. VCF-style: chr8-43158623-A-T. GRCh37 (hg19) VCF-style: chr8-43013766-A-T.
Other names: c.283A>T, p.Lys95Ter (NM_001363227.2, NM_001363228.2); c.-551A>T (NM_001363229.2); short protein forms K95*.
Identifiers: ClinVar variation 983602 (VCV000983602.3), dbSNP rs1803167331, ClinGen allele CA371125124.

ClinVar aggregate classification (germline): Likely pathogenic (1 of 4 stars; one submission).

Conditions:
Mucopolysaccharidosis, MPS-III-C (MPS3C). Also called: MPS IIIC (Sanfilippo Syndrome Type C); MUCOPOLYSACCHARIDOSIS, TYPE IIIC; Mucopolysaccharidosis type IIIC (Sanfilippo C); mucopolysaccharidosis type 3C; SANFILIPPO SYNDROME C; MPS III C. Identifiers: Orphanet 581, Orphanet 79271, MedGen C0086649, MONDO:0009657, OMIM 252930.

Submission:

Myriad Genetics, Inc.
Classification: Likely pathogenic for Mucopolysaccharidosis, MPS-III-C. Last evaluated: 2019-05-01. Review status: criteria provided, single submitter. Criteria: Myriad Women's Health Autosomal Recessive and X-Linked Classification Criteria (2019). Collection method: clinical testing. Allele origin: unknown.
Comment: NM_152419.2(HGSNAT):c.283A>T(K95*) is expected to be pathogenic in the context of mucopolysaccharidosis type IIIC. This variant is predicted to lead to an abnormal or absent protein product due to the creation of a premature termination codon in HGSNAT, a gene where loss-of-function variants are known to be pathogenic. Please note: this variant was assessed in the context of healthy population screening.